The following is an entry in ClinVar:

NM_000368.5(TSC1):c.1844C>T (p.Thr615Ile)

Gene: TSC1 (TSC complex subunit 1; minus strand). Cytogenetic location: 9q34.13.
Variant type: single nucleotide variant.
Coding change: c.1844C>T on transcript NM_000368.5 (MANE Select); coding-DNA position 1844, C replaced by T.
Protein change: p.Thr615Ile; replaces threonine 615 with isoleucine.
Molecular consequence: missense variant.
Genome position (GRCh38, 1-based): chr9:132,905,734, G>A on the plus strand (C>T on the coding strand, the complement: TSC1 is on the minus strand). VCF-style: chr9-132905734-G-A. GRCh37 (hg19) VCF-style: chr9-135781121-G-A.
Other names: c.1841C>T, p.Thr614Ile (NM_001162426.2); c.1691C>T, p.Thr564Ile (NM_001162427.2); c.1481C>T, p.Thr494Ile (NM_001362177.2); short protein forms T564I, T494I, T614I, T615I.
Identifiers: ClinVar variation 649700 (VCV000649700.14), dbSNP rs1588308884, ClinGen allele CA375363166.

ClinVar aggregate classification (germline): Uncertain significance. Review status: criteria provided, multiple submitters, no conflicts (2 of 4 stars). 5 submissions from 5 submitters: Uncertain significance (5). Last evaluated 2025-12-08.

Conditions:
Lymphangiomyomatosis (LAM). Also called: Lymphangioleiomyomatosis; Lymphangioleiomyomatosis, somatic. Identifiers: Orphanet 538, MedGen C0751674, MONDO:0011705, OMIM 606690.
Isolated focal cortical dysplasia type II (FCORD2). Also called: Focal cortical dysplasia type II; CORTICAL DYSPLASIA OF TAYLOR. Identifiers: Orphanet 268994, MedGen C1846385, MONDO:0011818, OMIM 607341, HP:0032051.
Tuberous sclerosis 1 (TSC1). Identifiers: Orphanet 805, MedGen C1854465, MONDO:0008612, OMIM 191100.
Tuberous sclerosis syndrome (TSC). Also called: Tuberous sclerosis; Tuberous Sclerosis Complex. Identifiers: Orphanet 805, MedGen C0041341, MONDO:0001734.
Hereditary cancer-predisposing syndrome. Also called: Hereditary Cancer Syndrome; Tumor predisposition; Neoplastic Syndromes, Hereditary; Hereditary neoplastic syndrome. Identifiers: Orphanet 140162, MedGen C0027672, MeSH D009386, MONDO:0015356.

Allele frequency attached by ClinVar (database versions not stated): gnomAD exomes below 0.00001; TOPMed below 0.00001.
gnomAD v4.1: 4 of 1,614,180 alleles (0.00025%); highest among the groups gnomAD compares: Non-Finnish European, 0.00034%; no homozygotes.

Submissions (5):

Labcorp Genetics (formerly Invitae), Labcorp
Classification: Uncertain significance for Tuberous sclerosis 1. Last evaluated: 2025-12-08. Review status: criteria provided, single submitter. Criteria: Invitae Variant Classification Sherloc (09022015). Collection method: clinical testing. Allele origin: germline.
Comment: This sequence change replaces threonine, which is neutral and polar, with isoleucine, which is neutral and non-polar, at codon 615 of the TSC1 protein (p.Thr615Ile). This variant is not present in population databases (gnomAD no frequency). This variant has not been reported in the literature in individuals affected with TSC1-related conditions. ClinVar contains an entry for this variant (Variation ID: 649700). Invitae Evidence Modeling of protein sequence and biophysical properties (such as structural, functional, and spatial information, amino acid conservation, physicochemical variation, residue mobility, and thermodynamic stability) indicates that this missense variant is not expected to disrupt TSC1 protein function with a negative predictive value of 95%. In summary, the available evidence is currently insufficient to determine the role of this variant in disease. Therefore, it has been classified as a Variant of Uncertain Significance.

Ambry Genetics
Classification: Uncertain significance for Hereditary cancer-predisposing syndrome. Last evaluated: 2024-10-21. Review status: criteria provided, single submitter. Criteria: Ambry Variant Classification Scheme 2023. Collection method: clinical testing. Allele origin: germline.
Comment: The p.T615I variant (also known as c.1844C>T), located in coding exon 13 of the TSC1 gene, results from a C to T substitution at nucleotide position 1844. The threonine at codon 615 is replaced by isoleucine, an amino acid with similar properties. This amino acid position is well conserved in available vertebrate species. In addition, the in silico prediction for this alteration is inconclusive. Since supporting evidence is limited at this time, the clinical significance of this alteration remains unclear.

All of Us Research Program, National Institutes of Health
Classification: Uncertain significance for Tuberous sclerosis syndrome. Last evaluated: 2024-08-06. Review status: criteria provided, single submitter. Criteria: ACMG Guidelines, 2015. Collection method: clinical testing. Allele origin: germline. Inheritance: Autosomal dominant inheritance. Observed: 4 variant alleles, 4 heterozygotes.
Comment: This missense variant replaces threonine with isoleucine at codon 615 of the TSC1 protein. Computational prediction is inconclusive regarding the impact of this variant on protein structure and function (internally defined REVEL score threshold 0.5 < inconclusive < 0.7, PMID: 27666373). To our knowledge, functional studies have not been reported for this variant. This variant has not been reported in individuals affected with tuberous sclerosis complex in the literature. This variant has not been identified in the general population by the Genome Aggregation Database (gnomAD). The available evidence is insufficient to determine the role of this variant in disease conclusively. Therefore, this variant is classified as a Variant of Uncertain Significance.

This study involves interpretation of variants in research participants for the purpose of population health screening. Participant phenotype was not available at the time of variant classification. Additional details can be found in publication PMID: 35346344, PMCID: PMC8962531

Fulgent Genetics
Classification: Uncertain significance for Tuberous sclerosis 1; Lymphangiomyomatosis; Isolated focal cortical dysplasia type II. Last evaluated: 2024-05-08. Review status: criteria provided, single submitter. Criteria: ACMG Guidelines, 2015. Collection method: clinical testing. Allele origin: germline.

Color Diagnostics, LLC DBA Color Health
Classification: Uncertain significance for Tuberous sclerosis syndrome. Last evaluated: 2024-03-06. Review status: criteria provided, single submitter. Criteria: ACMG Guidelines, 2015. Collection method: clinical testing. Allele origin: germline.
Comment: This missense variant replaces threonine with isoleucine at codon 615 of the TSC1 protein. Computational prediction is inconclusive regarding the impact of this variant on protein structure and function. To our knowledge, functional studies have not been reported for this variant. This variant has not been reported in individuals affected with TSC1-related disorders in the literature. This variant has not been identified in the general population by the Genome Aggregation Database (gnomAD). The available evidence is insufficient to determine the role of this variant in disease conclusively. Therefore, this variant is classified as a Variant of Uncertain Significance.